The following is an entry in ClinVar:

ClinVar aggregate classification (germline): Uncertain significance. Review status: criteria provided, multiple submitters, no conflicts (2 of 4 stars). 2 submissions from 2 submitters: Uncertain significance (2). Last evaluated 2025-06-24.

Conditions:
Inborn genetic diseases. Identifiers: MedGen C0950123, MeSH D030342.

Allele frequency attached by ClinVar (database versions not stated): gnomAD 0.00001; TOPMed 0.00002.
gnomAD v4.1: 14 of 1,613,890 alleles (0.00087%); highest among the groups gnomAD compares: East Asian, 0.0067%; no homozygotes.

Submissions (2):

Ambry Genetics
Classification: Uncertain significance for Inborn genetic diseases. Last evaluated: 2025-06-24. Review status: criteria provided, single submitter. Criteria: Ambry Variant Classification Scheme 2023. Collection method: clinical testing. Allele origin: germline.

Labcorp Genetics (formerly Invitae), Labcorp
Classification: Uncertain significance. Last evaluated: 2022-03-11. Review status: criteria provided, single submitter. Criteria: Invitae Variant Classification Sherloc (09022015). Collection method: clinical testing. Allele origin: germline.
Comment: This sequence change replaces threonine, which is neutral and polar, with arginine, which is basic and polar, at codon 171 of the TTC37 protein (p.Thr171Arg). This variant is present in population databases (no rsID available, gnomAD 0.02%). This variant has not been reported in the literature in individuals affected with TTC37-related conditions. Algorithms developed to predict the effect of missense changes on protein structure and function (SIFT, PolyPhen-2, Align-GVGD) all suggest that this variant is likely to be tolerated. In summary, the available evidence is currently insufficient to determine the role of this variant in disease. Therefore, it has been classified as a Variant of Uncertain Significance.

NM_014639.4(SKIC3):c.512C>G (p.Thr171Arg)

Gene: SKIC3 (SKI3 subunit of superkiller complex; minus strand). Cytogenetic location: 5q15.
Variant type: single nucleotide variant.
Coding change: c.512C>G on transcript NM_014639.4 (MANE Select); coding-DNA position 512, C replaced by G.
Protein change: p.Thr171Arg; replaces threonine 171 with arginine.
Molecular consequence: missense variant.
Genome position (GRCh38, 1-based): chr5:95,540,721, G>C on the plus strand (C>G on the coding strand, the complement: SKIC3 is on the minus strand). VCF-style: chr5-95540721-G-C. GRCh37 (hg19) VCF-style: chr5-94876425-G-C.
Other names: short protein forms T171R.
Identifiers: ClinVar variation 2007073 (VCV002007073.2), dbSNP rs767486946, ClinGen allele CA122833548.